The following is an entry in ClinVar:

NM_004329.3(BMPR1A):c.275del (p.Gly92fs)

Gene: BMPR1A (bone morphogenetic protein receptor type 1A; plus strand). Cytogenetic location: 10q23.2.
Variant type: Deletion.
Coding change: c.275del on transcript NM_004329.3 (MANE Select); coding-DNA position 275, one base deleted (G; older notation c.275delG).
Protein change: p.Gly92fs; shifts the reading frame from glycine 92.
Molecular consequence: frameshift variant.
Genome position (GRCh38, 1-based): chr10:86,892,171, G deleted; the last of 3 consecutive G bases (chr10:86,892,169-86,892,171); deleting any one gives the same sequence. VCF-style (leftmost placement, unchanged base first): chr10-86892168-AG-A. GRCh37 (hg19) VCF-style: chr10-88651925-AG-A.
Other names: c.275delG (NM_004329.2); short protein forms G92fs.
Identifiers: ClinVar variation 490989 (VCV000490989.12), dbSNP rs1554888317, ClinGen allele CA658683566.

ClinVar aggregate classification (germline): Pathogenic. Review status: criteria provided, multiple submitters, no conflicts (2 of 4 stars). 2 submissions from 2 submitters: Pathogenic (2). Last evaluated 2020-04-08.

Conditions:
Hereditary cancer-predisposing syndrome. Also called: Tumor predisposition; Neoplastic Syndromes, Hereditary; Hereditary Cancer Syndrome; Hereditary neoplastic syndrome. Identifiers: Orphanet 140162, MedGen C0027672, MeSH D009386, MONDO:0015356.
Juvenile polyposis syndrome (JPS). Identifiers: Orphanet 2929, MedGen C0345893, MONDO:0017380, OMIM 174900.

Submissions (2):

Color Diagnostics, LLC DBA Color Health
Classification: Pathogenic for Hereditary cancer-predisposing syndrome. Last evaluated: 2020-04-08. Review status: criteria provided, single submitter. Criteria: ACMG Guidelines, 2015. Collection method: clinical testing. Allele origin: germline.
Comment: This variant deletes 1 nucleotide in exon 5 of the BMPR1A gene, creating a frameshift and premature translation stop signal. This variant is expected to result in an absent or non-functional protein product. To our knowledge, this variant has not been reported in individuals affected with hereditary cancer in the literature. This variant has not been identified in the general population by the Genome Aggregation Database (gnomAD). Loss of BMPR1A function is a known mechanism of disease. Based on the available evidence, this variant is classified as Pathogenic.

Labcorp Genetics (formerly Invitae), Labcorp
Classification: Pathogenic for Juvenile polyposis syndrome. Last evaluated: 2020-01-14. Review status: criteria provided, single submitter. Criteria: Invitae Variant Classification Sherloc (09022015). Collection method: clinical testing. Allele origin: germline.
Comment: This sequence change creates a premature translational stop signal (p.Gly92Glufs*5) in the BMPR1A gene. It is expected to result in an absent or disrupted protein product. For these reasons, this variant has been classified as Pathogenic. Loss-of-function variants in BMPR1A are known to be pathogenic (PMID: 11536076, 12417513). This variant has not been reported in the literature in individuals with BMPR1A-related conditions. ClinVar contains an entry for this variant (Variation ID: 490989). This variant is not present in population databases (ExAC no frequency).

Literature cited by the submitters: PubMed 11536076 (cited by Labcorp Genetics (formerly Invitae), Labcorp); PubMed 12417513 (cited by Labcorp Genetics (formerly Invitae), Labcorp).